The following is an entry in ClinVar:

NM_017986.4(SLC52A1):c.869G>A (p.Ser290Asn)

Gene: SLC52A1 (solute carrier family 52 member 1; minus strand). Cytogenetic location: 17p13.2.
Variant type: single nucleotide variant.
Coding change: c.869G>A on transcript NM_017986.4 (MANE Select); coding-DNA position 869, G replaced by A.
Protein change: p.Ser290Asn; replaces serine 290 with asparagine.
Molecular consequence: missense variant.
Genome position (GRCh38, 1-based): chr17:5,033,620, C>T on the plus strand (G>A on the coding strand, the complement: SLC52A1 is on the minus strand). VCF-style: chr17-5033620-C-T. GRCh37 (hg19) VCF-style: chr17-4936915-C-T.
Other names: c.869G>A, p.Ser290Asn (NM_001104577.2); short protein forms S290N.
Identifiers: ClinVar variation 3798065 (VCV003798065.2).

ClinVar aggregate classification (germline): Uncertain significance. Review status: criteria provided, multiple submitters, no conflicts (2 of 4 stars). 2 submissions from 2 submitters: Uncertain significance (2). Last evaluated 2025-12-31.

Conditions:
Vitamin B2 deficiency. Identifiers: MedGen C0035528.

gnomAD v4.1: 21 of 1,613,938 alleles (0.0013%); highest among the groups gnomAD compares: Middle Eastern, 0.016%; no homozygotes.

Submissions (2):

Labcorp Genetics (formerly Invitae), Labcorp
Classification: Uncertain significance for Vitamin B2 deficiency. Last evaluated: 2025-12-31. Review status: criteria provided, single submitter. Criteria: Invitae Variant Classification Sherloc (09022015). Collection method: clinical testing. Allele origin: germline.
Comment: This sequence change replaces serine, which is neutral and polar, with asparagine, which is neutral and polar, at codon 290 of the SLC52A1 protein (p.Ser290Asn). This variant is present in population databases (no rsID available, gnomAD 0.002%). This variant has not been reported in the literature in individuals affected with SLC52A1-related conditions. ClinVar contains an entry for this variant (Variation ID: 3798065). An algorithm developed to predict the effect of missense changes on protein structure and function outputs the following: PolyPhen-2: "Benign". The asparagine amino acid residue is found in multiple mammalian species, which suggests that this missense change does not adversely affect protein function. In summary, the available evidence is currently insufficient to determine the role of this variant in disease. Therefore, it has been classified as a Variant of Uncertain Significance.

Ambry Genetics
Classification: Uncertain significance. Last evaluated: 2025-02-26. Review status: criteria provided, single submitter. Criteria: Ambry Variant Classification Scheme 2023. Collection method: clinical testing. Allele origin: germline.